The following is an entry in ClinVar:

ClinVar aggregate classification (germline): Likely pathogenic (1 of 4 stars; one submission).

Submission:

GeneDx
Classification: Likely pathogenic. Last evaluated: 2015-07-18. Review status: criteria provided, single submitter. Criteria: GeneDx Variant Classification (06012015). Collection method: clinical testing. Allele origin: germline. Affected: yes.
Comment: The M331R variant in the STAT3 gene has not been reported previously as a disease-causing variant nor as a benign polymorphism, to our knowledge. The M331R variant was not observed in approximately 6500 individuals of European and African American ancestry in the NHLBI Exome Sequencing Project, indicating it is not a common benign variant in these populations. The M331R variant is a non-conservative amino acid substitution, which is likely to impact secondary protein structure as these residues differ in polarity, charge, size and/or other properties. This substitution occurs at a position that is conserved in mammals, and in silico analysis predicts this variant is probably damaging to the protein structure/function. Missense variants in nearby residues (H332Y, H332L, R335W, K340E, K340Q, T341N) have been reported in the Human Gene Mutation Database in association with STAT3-related disorder (Stenson et al., 2014), supporting the functional importance of this region of the protein. We interpret M331R as a disease-causing variant

NM_139276.3(STAT3):c.992T>G (p.Met331Arg)

Gene: STAT3 (signal transducer and activator of transcription 3; minus strand). Cytogenetic location: 17q21.2.
Variant type: single nucleotide variant.
Coding change: c.992T>G on transcript NM_139276.3 (MANE Select); coding-DNA position 992, T replaced by G.
Protein change: p.Met331Arg; replaces methionine 331 with arginine.
Molecular consequence: missense variant.
Genome position (GRCh38, 1-based): chr17:42,333,730, A>C on the plus strand (T>G on the coding strand, the complement: STAT3 is on the minus strand). VCF-style: chr17-42333730-A-C. GRCh37 (hg19) VCF-style: chr17-40485748-A-C.
Other names: c.992T>G, p.Met331Arg (NM_001369512.1, NM_001369513.1, NM_001369514.1 and 15 more transcripts); c.914T>G, p.Met305Arg (NM_001384985.1); c.896T>G, p.Met299Arg (NM_001384989.1); short protein forms M331R, M299R, M305R.
Identifiers: ClinVar variation 427058 (VCV000427058.2), dbSNP rs1085307931, ClinGen allele CA399590697.